The following is an entry in ClinVar:

ClinVar aggregate classification (germline): Uncertain significance. Review status: criteria provided, multiple submitters, no conflicts (2 of 4 stars). 3 submissions from 3 submitters: Uncertain significance (3). Last evaluated 2024-10-12.

Conditions:
Joubert syndrome. Also called: JOUBERT-BOLTSHAUSER SYNDROME; Familial aplasia of the vermis. Identifiers: Orphanet 475, MedGen C5979921, MONDO:0018772.
Inborn genetic diseases. Identifiers: MedGen C0950123, MeSH D030342.

Allele frequency attached by ClinVar (database versions not stated): gnomAD 0.00002 and 0.00004; TOPMed 0.00002; gnomAD exomes 0.00003 and 0.00005; ExAC 0.00005.

Submissions (3):

Ambry Genetics
Classification: Uncertain significance for Inborn genetic diseases. Last evaluated: 2024-10-12. Review status: criteria provided, single submitter. Criteria: Ambry Variant Classification Scheme 2023. Collection method: clinical testing. Allele origin: germline.

Labcorp Genetics (formerly Invitae), Labcorp
Classification: Uncertain significance for Joubert syndrome. Last evaluated: 2022-11-08. Review status: criteria provided, single submitter. Criteria: Invitae Variant Classification Sherloc (09022015). Collection method: clinical testing. Allele origin: germline.
Comment: This sequence change replaces leucine, which is neutral and non-polar, with phenylalanine, which is neutral and non-polar, at codon 226 of the INPP5E protein (p.Leu226Phe). This variant is present in population databases (rs761485683, gnomAD 0.04%). This variant has not been reported in the literature in individuals affected with INPP5E-related conditions. ClinVar contains an entry for this variant (Variation ID: 843588). Algorithms developed to predict the effect of missense changes on protein structure and function (SIFT, PolyPhen-2, Align-GVGD) all suggest that this variant is likely to be tolerated. In summary, the available evidence is currently insufficient to determine the role of this variant in disease. Therefore, it has been classified as a Variant of Uncertain Significance.

Blueprint Genetics
Classification: Uncertain significance. Last evaluated: 2022-07-19. Review status: criteria provided, single submitter. Criteria: ACMG Guidelines, 2015. Collection method: clinical testing. Allele origin: germline.

NM_019892.6(INPP5E):c.676C>T (p.Leu226Phe)

Gene: INPP5E (inositol polyphosphate-5-phosphatase E; minus strand). Cytogenetic location: 9q34.3.
Variant type: single nucleotide variant.
Coding change: c.676C>T on transcript NM_019892.6 (MANE Select); coding-DNA position 676, C replaced by T.
Protein change: p.Leu226Phe; replaces leucine 226 with phenylalanine.
Molecular consequence: missense variant.
Genome position (GRCh38, 1-based): chr9:136,438,744, G>A on the plus strand (C>T on the coding strand, the complement: INPP5E is on the minus strand). VCF-style: chr9-136438744-G-A. GRCh37 (hg19) VCF-style: chr9-139333196-G-A.
Other names: c.676C>T, p.Leu226Phe (NM_001318502.2); short protein forms L226F.
Identifiers: ClinVar variation 843588 (VCV000843588.9), dbSNP rs761485683, ClinGen allele CA5337109.
Genomic context (GRCh38, chr9:136,438,744, plus strand): 5'-CGCAGGCCAGGGGGCTCCGCGGCCGGCCGGGGCCCAGGCTGCTGTGGGCCCGCACCAGGA[G>A]CGGCTGCGCGCGGAGCTTGTAGTCTGCAAGATCCGAGTCGACCTTGTTTGCTGTCCTCAG-3'
Protein context (NP_063945.2, residues 216-236): LADYKLRAQP[Leu226Phe]LVRAHSSLGP